The following is an entry in ClinVar:

ClinVar aggregate classification (germline): Uncertain significance (1 of 4 stars; one submission).

Submission:

Ambry Genetics
Classification: Uncertain significance. Last evaluated: 2025-07-12. Review status: criteria provided, single submitter. Criteria: Ambry Variant Classification Scheme 2023. Collection method: clinical testing. Allele origin: germline.
Comment: The p.C718R variant (also known as c.2152T>C), located in coding exon 8 of the RNF43 gene, results from a T to C substitution at nucleotide position 2152. The cysteine at codon 718 is replaced by arginine, an amino acid with highly dissimilar properties. This amino acid position is conserved. In addition, this alteration is predicted to be tolerated by in silico analysis. Based on the available evidence, the clinical significance of this variant remains unclear.

NM_017763.6(RNF43):c.2152T>C (p.Cys718Arg)

Gene: RNF43 (ring finger protein 43; minus strand). Cytogenetic location: 17q22.
Variant type: single nucleotide variant.
Coding change: c.2152T>C on transcript NM_017763.6 (MANE Select); coding-DNA position 2152, T replaced by C.
Protein change: p.Cys718Arg; replaces cysteine 718 with arginine.
Molecular consequence: missense variant.
Genome position (GRCh38, 1-based): chr17:58,357,624, A>G on the plus strand (T>C on the coding strand, the complement: RNF43 is on the minus strand). VCF-style: chr17-58357624-A-G. GRCh37 (hg19) VCF-style: chr17-56434985-A-G.
Other names: c.2152T>C, p.Cys718Arg (NM_001305544.3, NM_001438820.1, NM_001438821.1 and 1 more transcripts); c.1771T>C, p.Cys591Arg (NM_001305545.2, NM_001437987.1); short protein forms C591R, C718R.
Identifiers: ClinVar variation 4155745 (VCV004155745.1).